The following is an entry in ClinVar:

NM_000465.4(BARD1):c.2067C>G (p.Asp689Glu)

Gene: BARD1 (BRCA1 associated RING domain 1; minus strand). Cytogenetic location: 2q35.
Variant type: single nucleotide variant.
Coding change: c.2067C>G on transcript NM_000465.4 (MANE Select); coding-DNA position 2067, C replaced by G.
Protein change: p.Asp689Glu; replaces aspartic acid 689 with glutamic acid.
Molecular consequence: missense variant. On other transcripts: non-coding transcript variant (3).
Genome position (GRCh38, 1-based): chr2:214,728,943, G>C on the plus strand (C>G on the coding strand, the complement: BARD1 is on the minus strand). VCF-style: chr2-214728943-G-C. GRCh37 (hg19) VCF-style: chr2-215593667-G-C.
Other names: c.2010C>G, p.Asp670Glu (NM_001282543.2); c.714C>G, p.Asp238Glu (NM_001282545.2); c.657C>G, p.Asp219Glu (NM_001282548.2); c.528C>G, p.Asp176Glu (NM_001282549.2); short protein forms D670E, D219E, D238E, D689E, D176E.
Identifiers: ClinVar variation 3650498 (VCV003650498.2).

ClinVar aggregate classification (germline): Uncertain significance (1 of 4 stars; one submission).

Conditions:
Familial cancer of breast. Also called: hereditary breast carcinoma; BREAST CANCER, FAMILIAL; Hereditary breast cancer. Identifiers: Orphanet 227535, MedGen C0346153, MONDO:0016419, OMIM 114480. Disease mechanism: loss of function.

Submission:

Labcorp Genetics (formerly Invitae), Labcorp
Classification: Uncertain significance for Familial cancer of breast. Last evaluated: 2024-04-22. Review status: criteria provided, single submitter. Criteria: Invitae Variant Classification Sherloc (09022015). Collection method: clinical testing. Allele origin: germline.
Comment: This sequence change replaces aspartic acid, which is acidic and polar, with glutamic acid, which is acidic and polar, at codon 689 of the BARD1 protein (p.Asp689Glu). This variant is not present in population databases (gnomAD no frequency). This variant has not been reported in the literature in individuals affected with BARD1-related conditions. Algorithms developed to predict the effect of missense changes on protein structure and function output the following: SIFT: "Not Available"; PolyPhen-2: "Benign"; Align-GVGD: "Not Available". The glutamic acid amino acid residue is found in multiple mammalian species, which suggests that this missense change does not adversely affect protein function. In summary, the available evidence is currently insufficient to determine the role of this variant in disease. Therefore, it has been classified as a Variant of Uncertain Significance.